The following is an entry in ClinVar:

NM_002439.5(MSH3):c.2998G>C (p.Asp1000His)

Gene: MSH3 (mutS homolog 3; plus strand). Cytogenetic location: 5q14.1.
Variant type: single nucleotide variant.
Coding change: c.2998G>C on transcript NM_002439.5 (MANE Select); coding-DNA position 2998, G replaced by C.
Protein change: p.Asp1000His; replaces aspartic acid 1000 with histidine.
Molecular consequence: missense variant.
Genome position (GRCh38, 1-based): chr5:80,854,314, G>C. VCF-style: chr5-80854314-G-C. GRCh37 (hg19) VCF-style: chr5-80150133-G-C.
Other names: c.2998G>C (NM_002439.3); short protein forms D1000H.
Identifiers: ClinVar variation 2147809 (VCV002147809.7), dbSNP rs2478772087, ClinGen allele CA360275859.

ClinVar aggregate classification (germline): Uncertain significance. Review status: criteria provided, multiple submitters, no conflicts (2 of 4 stars). 2 submissions from 2 submitters: Uncertain significance (2). Last evaluated 2025-03-09.

Conditions:
Hereditary cancer-predisposing syndrome. Also called: Tumor predisposition; Hereditary neoplastic syndrome; Hereditary Cancer Syndrome; Neoplastic Syndromes, Hereditary. Identifiers: Orphanet 140162, MedGen C0027672, MeSH D009386, MONDO:0015356.

Allele frequency attached by ClinVar (database versions not stated): gnomAD exomes below 0.00001.
gnomAD v4.1: 1 of 1,612,628 alleles (0.000062%); highest among the groups gnomAD compares: Middle Eastern, 0.017%; no homozygotes.

Submissions (2):

Ambry Genetics
Classification: Uncertain significance for Hereditary cancer-predisposing syndrome. Last evaluated: 2025-03-09. Review status: criteria provided, single submitter. Criteria: Ambry Variant Classification Scheme 2023. Collection method: clinical testing. Allele origin: germline.
Comment: The p.D1000H variant (also known as c.2998G>C), located in coding exon 21 of the MSH3 gene, results from a G to C substitution at nucleotide position 2998. The aspartic acid at codon 1000 is replaced by histidine, an amino acid with similar properties. This amino acid position is conserved. In addition, this alteration is predicted to be tolerated by in silico analysis. Since supporting evidence is limited at this time, the clinical significance of this alteration remains unclear.

Labcorp Genetics (formerly Invitae), Labcorp
Classification: Uncertain significance. Last evaluated: 2024-09-08. Review status: criteria provided, single submitter. Criteria: Invitae Variant Classification Sherloc (09022015). Collection method: clinical testing. Allele origin: germline.
Comment: This sequence change replaces aspartic acid, which is acidic and polar, with histidine, which is basic and polar, at codon 1000 of the MSH3 protein (p.Asp1000His). This variant is not present in population databases (gnomAD no frequency). This variant has not been reported in the literature in individuals affected with MSH3-related conditions. ClinVar contains an entry for this variant (Variation ID: 2147809). An algorithm developed to predict the effect of missense changes on protein structure and function (PolyPhen-2) suggests that this variant is likely to be tolerated. In summary, the available evidence is currently insufficient to determine the role of this variant in disease. Therefore, it has been classified as a Variant of Uncertain Significance.